The following is an entry in ClinVar:

ClinVar aggregate classification (germline): Uncertain significance. Review status: criteria provided, multiple submitters, no conflicts (2 of 4 stars). 2 submissions from 2 submitters: Uncertain significance (2). Last evaluated 2026-05-28.

Allele frequency attached by ClinVar (database versions not stated): gnomAD exomes 0.00001; TOPMed 0.00001.
gnomAD v4.1: 8 of 1,609,546 alleles (0.0005%); highest among the groups gnomAD compares: Non-Finnish European, 0.00068%; no homozygotes.

Submissions (2):

Women's Health and Genetics/Laboratory Corporation of America, LabCorp
Classification: Uncertain significance. Last evaluated: 2026-05-28. Review status: criteria provided, single submitter. Criteria: LabCorp Variant Classification Summary - May 2015. Collection method: clinical testing. Allele origin: germline.
Comment: Variant summary: NOTCH3 c.4648C>G (p.His1550Asp) results in a non-conservative amino acid change in the encoded protein sequence. Algorithms developed to predict the effect of missense changes on protein structure and function are either unavailable or do not agree on the potential impact of this missense change. The variant was absent in 241514 control chromosomes. The available data on variant occurrences in the general population are insufficient to allow any conclusion about variant significance. To our knowledge, no occurrence of c.4648C>G in individuals affected with NOTCH3-related conditions and no experimental evidence demonstrating its impact on protein function have been reported. ClinVar contains an entry for this variant (Variation ID: 3022747). Based on the evidence outlined above, the variant was classified as uncertain significance.

Labcorp Genetics (formerly Invitae), Labcorp
Classification: Uncertain significance. Last evaluated: 2023-11-28. Review status: criteria provided, single submitter. Criteria: Invitae Variant Classification Sherloc (09022015). Collection method: clinical testing. Allele origin: germline.
Comment: This sequence change replaces histidine, which is basic and polar, with aspartic acid, which is acidic and polar, at codon 1550 of the NOTCH3 protein (p.His1550Asp). This variant is not present in population databases (gnomAD no frequency). This variant has not been reported in the literature in individuals affected with NOTCH3-related conditions. Advanced modeling of protein sequence and biophysical properties (such as structural, functional, and spatial information, amino acid conservation, physicochemical variation, residue mobility, and thermodynamic stability) performed at Invitae indicates that this missense variant is not expected to disrupt NOTCH3 protein function with a negative predictive value of 95%. In summary, the available evidence is currently insufficient to determine the role of this variant in disease. Therefore, it has been classified as a Variant of Uncertain Significance.

NM_000435.3(NOTCH3):c.4648C>G (p.His1550Asp)

Gene: NOTCH3 (notch receptor 3; minus strand). Cytogenetic location: 19p13.12.
Variant type: single nucleotide variant.
Coding change: c.4648C>G on transcript NM_000435.3 (MANE Select); coding-DNA position 4648, C replaced by G.
Protein change: p.His1550Asp; replaces histidine 1550 with aspartic acid.
Molecular consequence: missense variant.
Genome position (GRCh38, 1-based): chr19:15,174,156, G>C on the plus strand (C>G on the coding strand, the complement: NOTCH3 is on the minus strand). VCF-style: chr19-15174156-G-C. GRCh37 (hg19) VCF-style: chr19-15284967-G-C.
Other names: short protein forms H1550D.
Identifiers: ClinVar variation 3022747 (VCV003022747.4), dbSNP rs2046766753, ClinGen allele CA404500240.